The following is an entry in ClinVar:

NM_001145418.2(TTC28):c.4962C>T (p.Leu1654=)

Genes: TTC28 (tetratricopeptide repeat domain 28; minus strand), TTC28-AS1 (TTC28 antisense RNA 1; plus strand). Cytogenetic location: 22q12.1.
Variant type: single nucleotide variant.
Coding change: c.4962C>T on transcript NM_001145418.2 (MANE Select); coding-DNA position 4962, C replaced by T.
Protein change: p.Leu1654=; no amino-acid change (leucine 1654 retained).
Molecular consequence: synonymous variant. On other transcripts: non-coding transcript variant (1).
Genome position (GRCh38, 1-based): chr22:27,998,697, G>A on the plus strand (C>T on the coding strand, the complement: TTC28 is on the minus strand). VCF-style: chr22-27998697-G-A. GRCh37 (hg19) VCF-style: chr22-28394685-G-A.
Other names: c.4962C>T, p.Leu1654= (NM_001393403.1); c.4608C>T, p.Leu1536= (NM_001393404.1, NM_001393405.1).
Identifiers: ClinVar variation 714028 (VCV000714028.5), dbSNP rs187345071, ClinGen allele CA10167188.

ClinVar aggregate classification (germline): Benign. Review status: criteria provided, single submitter (1 of 4 stars). 2 submissions from 2 submitters: Benign (1). 1 of the submissions does not count toward it. Last evaluated 2018-03-29.

Conditions:
TTC28-related disorder. Also called: TTC28-related condition.

Allele frequency attached by ClinVar (database versions not stated): 1000 Genomes Project 30x 0.00125; 1000 Genomes Project 0.00160; ExAC 0.00170; gnomAD 0.00212 and 0.00213; gnomAD exomes 0.00221; TOPMed 0.00242; ESP Exome Variant Server 0.00285.
gnomAD v4.1: 4,602 of 1,550,934 alleles (0.3%); highest among the groups gnomAD compares: Admixed American, 0.39%; 9 homozygotes.

Submissions (2):

Labcorp Genetics (formerly Invitae), Labcorp
Classification: Benign. Last evaluated: 2018-03-29. Review status: criteria provided, single submitter. Criteria: Invitae Variant Classification Sherloc (09022015). Collection method: clinical testing. Allele origin: germline.

PreventionGenetics, part of Exact Sciences
Classification: Likely benign for TTC28-related condition. Last evaluated: 2019-04-30. Review status: no assertion criteria provided. Collection method: clinical testing. Allele origin: germline. Not counted in ClinVar's aggregate classification.
Comment: This variant is classified as likely benign based on ACMG/AMP sequence variant interpretation guidelines (Richards et al. 2015 PMID: 25741868, with internal and published modifications).